The following is an entry in ClinVar:

ClinVar aggregate classification (germline): Benign. Review status: criteria provided, multiple submitters, no conflicts (2 of 4 stars). 6 submissions from 6 submitters: Benign (5). 1 of the submissions does not count toward it. Last evaluated 2026-02-03.

Conditions:
Inborn genetic diseases. Identifiers: MedGen C0950123, MeSH D030342.
Progressive myoclonic epilepsy type 7. Identifiers: Orphanet 435438, MedGen C4015420, MONDO:0014521, OMIM 616187.
KCNC1-related disorder. Also called: KCNC1-related condition; KCNC1-Related Disorders. Identifiers: MedGen CN381541.

Allele frequency attached by ClinVar (database versions not stated): 1000 Genomes Project 30x 0.01765; 1000 Genomes Project 0.01817; TOPMed 0.02990; ESP Exome Variant Server 0.03065.
gnomAD v4.1: 64,643 of 1,614,160 alleles (4%); highest among the groups gnomAD compares: Admixed American, 5.2%; 1,462 homozygotes.

Submissions (6):

Labcorp Genetics (formerly Invitae), Labcorp
Classification: Benign for Progressive myoclonic epilepsy type 7. Last evaluated: 2026-02-03. Review status: criteria provided, single submitter. Criteria: Invitae Variant Classification Sherloc (09022015). Collection method: clinical testing. Allele origin: germline.

Mayo Clinic Laboratories, Mayo Clinic
Classification: Benign. Last evaluated: 2018-09-18. Review status: criteria provided, single submitter. Criteria: ACMG Guidelines, 2015. Collection method: clinical testing. Allele origin: germline. Observed: 28 variant alleles.

GeneDx
Classification: Benign. Last evaluated: 2018-08-06. Review status: criteria provided, single submitter. Criteria: GeneDx Variant Classification Process June 2021. Collection method: clinical testing. Allele origin: germline. Affected: yes.

Ambry Genetics
Classification: Benign for Inborn genetic diseases. Last evaluated: 2016-02-25. Review status: criteria provided, single submitter. Criteria: Ambry Variant Classification Scheme 2023. Collection method: clinical testing. Allele origin: germline.

Breakthrough Genomics
Classification: Benign. Review status: criteria provided, single submitter. Criteria: ACMG Guidelines, 2015. Collection method: not provided. Allele origin: germline. Inheritance: Autosomal dominant inheritance. Affected: yes.

PreventionGenetics, part of Exact Sciences
Classification: Benign for KCNC1-related condition. Last evaluated: 2019-04-15. Review status: no assertion criteria provided. Collection method: clinical testing. Allele origin: germline. Not counted in ClinVar's aggregate classification.
Comment: This variant is classified as benign based on ACMG/AMP sequence variant interpretation guidelines (Richards et al. 2015 PMID: 25741868, with internal and published modifications).

NM_001112741.2(KCNC1):c.744C>T (p.Ile248=)

Gene: KCNC1 (potassium voltage-gated channel subfamily C member 1; plus strand). Cytogenetic location: 11p15.1.
Variant type: single nucleotide variant.
Coding change: c.744C>T on transcript NM_001112741.2 (MANE Select); coding-DNA position 744, C replaced by T.
Protein change: p.Ile248=; no amino-acid change (isoleucine 248 retained).
Molecular consequence: synonymous variant.
Genome position (GRCh38, 1-based): chr11:17,771,838, C>T. VCF-style: chr11-17771838-C-T. GRCh37 (hg19) VCF-style: chr11-17793385-C-T.
Other names: p.Ile248=; c.744C>T, p.Ile248= (NM_004976.4).
Identifiers: ClinVar variation 475360 (VCV000475360.20), dbSNP rs2229007, ClinGen allele CA5906729.
Genomic context (GRCh38, chr11:17,771,838, plus strand): 5'-CAATGGCACGCAAGTGCGCTACTACCGGGAGGCCGAGACGGAGGCCTTCCTTACCTACAT[C>T]GAGGGCGTCTGTGTGGTCTGGTTCACCTTCGAGTTCCTCATGCGTGTCATCTTCTGCCCC-3'
Protein context (NP_001106212.1, residues 238-258): EAETEAFLTY[Ile248=]EGVCVVWFTF